The following is an entry in ClinVar:

ClinVar aggregate classification (germline): Likely benign. Review status: criteria provided, multiple submitters, no conflicts (2 of 4 stars). 4 submissions from 4 submitters: Likely benign (4). Last evaluated 2026-01-10.

Conditions:
Hereditary cancer-predisposing syndrome. Also called: Hereditary neoplastic syndrome; Tumor predisposition; Neoplastic Syndromes, Hereditary; Hereditary Cancer Syndrome. Identifiers: Orphanet 140162, MedGen C0027672, MeSH D009386, MONDO:0015356.
Peutz-Jeghers syndrome (PJS). Also called: Peutz-Jeghers polyposis; Periorificial lentiginosis syndrome; POLYPOSIS, HAMARTOMATOUS INTESTINAL; POLYPS-AND-SPOTS SYNDROME. Identifiers: Orphanet 2869, MedGen C0031269, MeSH D010580, MONDO:0008280, OMIM 175200.

Allele frequency attached by ClinVar (database versions not stated): gnomAD 0.00001; TOPMed 0.00001.
gnomAD v4.1: 9 of 1,607,564 alleles (0.00056%); highest among the groups gnomAD compares: Non-Finnish European, 0.00068%; no homozygotes.

Submissions (4):

Labcorp Genetics (formerly Invitae), Labcorp
Classification: Likely benign for Peutz-Jeghers syndrome. Last evaluated: 2026-01-10. Review status: criteria provided, single submitter. Criteria: Invitae Variant Classification Sherloc (09022015). Collection method: clinical testing. Allele origin: germline.

Center for Genomic Medicine, Rigshospitalet, Copenhagen University Hospital
Classification: Likely benign. Last evaluated: 2025-12-29. Review status: criteria provided, single submitter. Criteria: ACMG Guidelines, 2015. Collection method: clinical testing. Allele origin: germline.

Color Diagnostics, LLC DBA Color Health
Classification: Likely benign for Hereditary cancer-predisposing syndrome. Last evaluated: 2016-07-25. Review status: criteria provided, single submitter. Criteria: ACMG Guidelines, 2015. Collection method: clinical testing. Allele origin: germline.

GeneDx
Classification: Likely benign. Last evaluated: 2016-04-21. Review status: criteria provided, single submitter. Criteria: GeneDx Variant Classification (06012015). Collection method: clinical testing. Allele origin: germline. Affected: yes.
Comment: This variant is considered likely benign or benign based on one or more of the following criteria: it is a conservative change, it occurs at a poorly conserved position in the protein, it is predicted to be benign by multiple in silico algorithms, and/or has population frequency not consistent with disease.

NM_000455.5(STK11):c.1109-15C>A

Gene: STK11 (serine/threonine kinase 11; plus strand). Cytogenetic location: 19p13.3.
Variant type: single nucleotide variant.
Coding change: c.1109-15C>A on transcript NM_000455.5 (MANE Select); 15 bases into the intron before coding-DNA position 1109, C replaced by A.
Molecular consequence: intron variant.
Genome position (GRCh38, 1-based): chr19:1,226,439, C>A. VCF-style: chr19-1226439-C-A. GRCh37 (hg19) VCF-style: chr19-1226438-C-A.
Identifiers: ClinVar variation 380198 (VCV000380198.12), dbSNP rs1057520799, ClinGen allele CA16608091.